The following is an entry in ClinVar:

NM_015160.3(PMPCA):c.49T>G (p.Ser17Ala)

Gene: PMPCA (peptidase, mitochondrial processing subunit alpha; plus strand). Cytogenetic location: 9q34.3.
Variant type: single nucleotide variant.
Coding change: c.49T>G on transcript NM_015160.3 (MANE Select); coding-DNA position 49, T replaced by G.
Protein change: p.Ser17Ala; replaces serine 17 with alanine.
Molecular consequence: missense variant. On other transcripts: 5 prime UTR variant (2).
Genome position (GRCh38, 1-based): chr9:136,410,717, T>G. VCF-style: chr9-136410717-T-G. GRCh37 (hg19) VCF-style: chr9-139305169-T-G.
Other names: c.-250T>G (NM_001282944.2, NM_001282946.2); short protein forms S17A.
Identifiers: ClinVar variation 3215846 (VCV003215846.2), dbSNP rs750223224, ClinGen allele CA5335819.

ClinVar aggregate classification (germline): Uncertain significance. Review status: criteria provided, multiple submitters, no conflicts (2 of 4 stars). 2 submissions from 2 submitters: Uncertain significance (2). Last evaluated 2025-07-04.

Conditions:
Inborn genetic diseases. Identifiers: MedGen C0950123, MeSH D030342.

Allele frequency attached by ClinVar (database versions not stated): ExAC 0.00001; gnomAD 0.00001; gnomAD exomes 0.00002; TOPMed 0.00002.

Submissions (2):

Labcorp Genetics (formerly Invitae), Labcorp
Classification: Uncertain significance. Last evaluated: 2025-07-04. Review status: criteria provided, single submitter. Criteria: Invitae Variant Classification Sherloc (09022015). Collection method: clinical testing. Allele origin: germline.
Comment: This sequence change replaces serine, which is neutral and polar, with alanine, which is neutral and non-polar, at codon 17 of the PMPCA protein (p.Ser17Ala). This variant is present in population databases (rs750223224, gnomAD 0.001%). This variant has not been reported in the literature in individuals affected with PMPCA-related conditions. ClinVar contains an entry for this variant (Variation ID: 3215846). An algorithm developed to predict the effect of missense changes on protein structure and function outputs the following: PolyPhen-2: "Benign". The alanine amino acid residue is found in multiple mammalian species, which suggests that this missense change does not adversely affect protein function. In summary, the available evidence is currently insufficient to determine the role of this variant in disease. Therefore, it has been classified as a Variant of Uncertain Significance.

Ambry Genetics
Classification: Uncertain significance for Inborn genetic diseases. Last evaluated: 2023-11-13. Review status: criteria provided, single submitter. Criteria: Ambry Variant Classification Scheme 2023. Collection method: clinical testing. Allele origin: germline.